The following is an entry in ClinVar:

NM_001036.6(RYR3):c.9873C>G (p.Leu3291=)

Gene: RYR3 (ryanodine receptor 3; plus strand). Cytogenetic location: 15q14.
Variant type: single nucleotide variant.
Coding change: c.9873C>G on transcript NM_001036.6 (MANE Select); coding-DNA position 9873, C replaced by G.
Protein change: p.Leu3291=; no amino-acid change (leucine 3291 retained).
Molecular consequence: synonymous variant.
Genome position (GRCh38, 1-based): chr15:33,800,812, C>G. VCF-style: chr15-33800812-C-G. GRCh37 (hg19) VCF-style: chr15-34093013-C-G.
Other names: c.9873C>G, p.Leu3291= (NM_001243996.4).
Identifiers: ClinVar variation 461993 (VCV000461993.38), dbSNP rs147149598, ClinGen allele CA7460645.

ClinVar aggregate classification (germline): Benign/Likely benign. Review status: criteria provided, multiple submitters, no conflicts (2 of 4 stars). 5 submissions from 5 submitters: Benign (2); Likely benign (2). 1 of the submissions does not count toward it. Last evaluated 2026-01-15.

Conditions:
RYR3-related disorder. Also called: RYR3-related condition.
Epileptic encephalopathy. Identifiers: MedGen C0543888, HP:0200134.

Allele frequency attached by ClinVar (database versions not stated): gnomAD exomes 0.00022 and 0.00056; ExAC 0.00072; 1000 Genomes Project 0.00160; 1000 Genomes Project 30x 0.00219; gnomAD 0.00230 and 0.00253; TOPMed 0.00257; ESP Exome Variant Server 0.00285.
gnomAD v4.1: 686 of 1,613,882 alleles (0.043%); highest among the groups gnomAD compares: African/African-American, 0.81%; 3 homozygotes.

Submissions (5):

Labcorp Genetics (formerly Invitae), Labcorp
Classification: Benign for Epileptic encephalopathy. Last evaluated: 2026-01-15. Review status: criteria provided, single submitter. Criteria: Invitae Variant Classification Sherloc (09022015). Collection method: clinical testing. Allele origin: germline.

CeGaT Center for Human Genetics Tuebingen
Classification: Likely benign. Last evaluated: 2025-04-01. Review status: criteria provided, single submitter. Criteria: CeGaT Center For Human Genetics Tuebingen Variant Classification Criteria Version 2. Collection method: clinical testing. Allele origin: germline. Affected: yes. Observed: 2 variant alleles.
Comment: RYR3: BP4, BP7

Blueprint Genetics
Classification: Likely benign. Last evaluated: 2024-10-21. Review status: criteria provided, single submitter. Criteria: ACMG Guidelines, 2015. Collection method: clinical testing. Allele origin: germline.

Breakthrough Genomics
Classification: Benign. Review status: criteria provided, single submitter. Criteria: ACMG Guidelines, 2015. Collection method: not provided. Allele origin: germline. Inheritance: Unknown mechanism. Affected: yes.

PreventionGenetics, part of Exact Sciences
Classification: Likely benign for RYR3-related condition. Last evaluated: 2019-04-17. Review status: no assertion criteria provided. Collection method: clinical testing. Allele origin: germline. Not counted in ClinVar's aggregate classification.
Comment: This variant is classified as likely benign based on ACMG/AMP sequence variant interpretation guidelines (Richards et al. 2015 PMID: 25741868, with internal and published modifications).